The following is an entry in ClinVar:

ClinVar aggregate classification (germline): Conflicting classifications of pathogenicity. Review status: criteria provided, conflicting classifications (1 of 4 stars). 7 submissions from 7 submitters: Likely pathogenic (1); Uncertain significance (5). 1 of the submissions does not count toward it. Last evaluated 2026-09-09.

Conditions:
Mucopolysaccharidosis, MPS-III-A (MPS3A). Also called: mucopolysaccharidosis type 3A; MPS IIIA (Sanfilippo Syndrome Type A); HEPARAN SULFATE SULFATASE DEFICIENCY; MUCOPOLYSACCHARIDOSIS, TYPE IIIA, ATTENUATED; Mucopolysaccharidosis type IIIA (Sanfilippo A); Mucopolysaccharidosis, type IIIA. Identifiers: Orphanet 581, Orphanet 79269, MedGen C0086647, MONDO:0009655, OMIM 252900.
IDS-related disorder. Also called: IDS-related condition.
Inborn genetic diseases. Identifiers: MedGen C0950123, MeSH D030342.
Mucopolysaccharidosis, MPS-II (MPS2). Also called: IDURONATE 2-SULFATASE DEFICIENCY; Mucopolysaccharidosis Type II; Mucopolysaccharidosis with skin involvement; IDS deficiency; Sulfoiduronate sulfatase deficiency; SIDS deficiency. Identifiers: Orphanet 580, Orphanet 79388, MedGen C0026705, MONDO:0010674, OMIM 309900.

Allele frequency attached by ClinVar (database versions not stated): ExAC 0.00002; gnomAD exomes 0.00002 and 0.00001.
gnomAD v4.1: 10 of 1,211,171 alleles (0.00083%); highest among the groups gnomAD compares: East Asian, 0.0059%; no homozygotes.

Submissions (7):

PreventionGenetics, part of Exact Sciences
Classification: Uncertain significance for IDS-related condition. Last evaluated: 2026-09-09. Review status: criteria provided, single submitter. Criteria: ACMG Guidelines, 2015. Collection method: clinical testing. Allele origin: germline.
Comment: The IDS c.1478G>A variant is predicted to result in the amino acid substitution p.Arg493His. This variant has been reported in the hemizygous state in multiple clinically unaffected individuals with iduronate 2-sulfatase (I2S) deficiency identified via newborn screening (Chuang et al. 2018. PubMed ID: 29801497; Lin et al. 2022. PubMed ID: 35887520; Burton et al. 2023. PubMed ID: 36907694; Table S2, Hattori et al. 2023. PubMed ID: 38053932); these patients had low I2S activities in dried blood spot (DBS) samples but normal activities in leukocytes. Urinary glycosaminoglycan (GAG) levels were also within normal ranges. Of note, one individual had a hemizygous maternal grandfather was also unaffected (Lin et al. 2022. PubMed ID: 35887520). In vitro studies in COS-7 cells showed enzymatic activity was not substantially altered (86.5%) relative to wild-type (Lin et al. 2022. PubMed ID: 358875200). This variant is reported in 0.00083% of total alleles in gnomAD v4, including 3 hemizygotes. However, one alternate missense variant of the same amino acid (p.Arg493Pro) has been reported in individuals with mucopolysaccharidosis II (MPS II; Marucha et al. 2011. PubMed ID: 21834048; Table S3, Pollard et al. 2013. PubMed ID: 22976768), while another (p.Arg493Cys) has also been described as a pseudodeficiency variant (Table S2, Hattori et al. 2023. PubMed ID: 38053932). Although we suspect that p.Arg493His may be a pseudodeficiency variant, the clinical significance of this variant is uncertain at this time due to the absence of conclusive functional and genetic evidence.

Women's Health and Genetics/Laboratory Corporation of America, LabCorp
Classification: Uncertain significance. Last evaluated: 2025-10-20. Review status: criteria provided, single submitter. Criteria: LabCorp Variant Classification Summary - May 2015. Collection method: clinical testing. Allele origin: germline.
Comment: Variant summary: IDS c.1478G>A (p.Arg493His) results in a non-conservative amino acid change in the encoded protein sequence. Algorithms developed to predict the effect of missense changes on protein structure and function all suggest that this variant is likely to be disruptive. The variant allele was found at a frequency of 1.6e-05 in 183355 control chromosomes (gnomAD). The available data on variant occurrences in the general population are insufficient to allow any conclusion about variant significance. c.1478G>A has been observed in individuals affected with Mucopolysaccharidosis Type II (Hunter Syndrome) (Chuang_2018, Lin_2019, Burton_2023). These report(s) do not provide unequivocal conclusions about association of the variant with Mucopolysaccharidosis Type II (Hunter Syndrome). To our knowledge, no experimental evidence demonstrating an impact on protein function has been reported. The following publications have been ascertained in the context of this evaluation (PMID: 36907694, 29801497, 38053932, 35887520). ClinVar contains an entry for this variant (Variation ID: 968479). Based on the evidence outlined above, the variant was classified as uncertain significance.

Revvity Omics, Revvity
Classification: Uncertain significance for Mucopolysaccharidosis, MPS-II. Last evaluated: 2025-08-11. Review status: criteria provided, single submitter. Criteria: ACMG Guidelines, 2015. Collection method: clinical testing. Allele origin: germline.

Labcorp Genetics (formerly Invitae), Labcorp
Classification: Uncertain significance for Mucopolysaccharidosis, MPS-II. Last evaluated: 2024-11-27. Review status: criteria provided, single submitter. Criteria: Invitae Variant Classification Sherloc (09022015). Collection method: clinical testing. Allele origin: germline.
Comment: This sequence change replaces arginine, which is basic and polar, with histidine, which is basic and polar, at codon 493 of the IDS protein (p.Arg493His). This variant is present in population databases (rs782347729, gnomAD 0.02%), including at least one homozygous and/or hemizygous individual. This missense change has been observed in individual(s) with abnormal newborn screening results (PMID: 29801497, 36907694). ClinVar contains an entry for this variant (Variation ID: 968479). Invitae Evidence Modeling of protein sequence and biophysical properties (such as structural, functional, and spatial information, amino acid conservation, physicochemical variation, residue mobility, and thermodynamic stability) indicates that this missense variant is expected to disrupt IDS protein function with a positive predictive value of 80%. This variant disrupts the p.Arg493 amino acid residue in IDS. Other variant(s) that disrupt this residue have been determined to be pathogenic (PMID: 22976778, 24515576, 31877959). This suggests that this residue is clinically significant, and that variants that disrupt this residue are likely to be disease-causing. In summary, the available evidence is currently insufficient to determine the role of this variant in disease. Therefore, it has been classified as a Variant of Uncertain Significance.

Laboratory of Medical Genetics, University of Torino
Classification: Likely pathogenic for Mucopolysaccharidosis, MPS-II. Last evaluated: 2022-11-29. Review status: criteria provided, single submitter. Criteria: ACMG Guidelines, 2015. Collection method: research. Allele origin: germline. Affected: yes. Study: NeuroWES.

Ambry Genetics
Classification: Uncertain significance for Inborn genetic diseases. Last evaluated: 2018-12-29. Review status: criteria provided, single submitter. Criteria: Ambry Variant Classification Scheme 2023. Collection method: clinical testing. Allele origin: germline.
Comment: The p.R493H variant (also known as c.1478G>A), located in coding exon 9 of the IDS gene, results from a G to A substitution at nucleotide position 1478. The arginine at codon 493 is replaced by histidine, an amino acid with highly similar properties. Another alteration affecting the same amino acid, p.R493P (c.1478G>C), has been reported in a mucopolysaccharidosis cohort (Pollard LM et al. J. Inherit. Metab. Dis., 2013 Mar;36:179-87). This amino acid position is highly conserved in available vertebrate species. In addition, this alteration is predicted to be deleterious by in silico analysis. Since supporting evidence is limited at this time, the clinical significance of this alteration remains unclear.

Natera, Inc.
Classification: Uncertain significance for Mucopolysaccharidosis type IIIA. Last evaluated: 2020-04-08. Review status: no assertion criteria provided. Collection method: clinical testing. Allele origin: germline. Not counted in ClinVar's aggregate classification.

Literature cited by the submitters: PubMed 29801497 (cited by Women's Health and Genetics/Laboratory Corporation of America, LabCorp and Labcorp Genetics (formerly Invitae), Labcorp); PubMed 35887520 (cited by Women's Health and Genetics/Laboratory Corporation of America, LabCorp); PubMed 36907694 (cited by Women's Health and Genetics/Laboratory Corporation of America, LabCorp and Labcorp Genetics (formerly Invitae), Labcorp); PubMed 38053932 (cited by Women's Health and Genetics/Laboratory Corporation of America, LabCorp); PubMed 22976778 (cited by Labcorp Genetics (formerly Invitae), Labcorp); PubMed 24515576 (cited by Labcorp Genetics (formerly Invitae), Labcorp); PubMed 31877959 (cited by Labcorp Genetics (formerly Invitae), Labcorp); PubMed 22976768 (cited by Ambry Genetics).

NM_000202.8(IDS):c.1478G>A (p.Arg493His)

Gene: IDS (iduronate 2-sulfatase; minus strand). Cytogenetic location: Xq28.
Variant type: single nucleotide variant.
Coding change: c.1478G>A on transcript NM_000202.8 (MANE Select); coding-DNA position 1478, G replaced by A.
Protein change: p.Arg493His; replaces arginine 493 with histidine.
Molecular consequence: missense variant.
Genome position (GRCh38, 1-based): chrX:149,482,921, C>T on the plus strand (G>A on the coding strand, the complement: IDS is on the minus strand). VCF-style: chrX-149482921-C-T. GRCh37 (hg19) VCF-style: chrX-148564452-C-T.
Other names: c.1208G>A, p.Arg403His (NM_001166550.4); c.1478G>A (NM_000202.5, NM_000202.7); short protein forms R493H, R403H.
Identifiers: ClinVar variation 968479 (VCV000968479.11), dbSNP rs782347729, ClinGen allele CA10537440.